The following is an entry in ClinVar:

NM_000891.3(KCNJ2):c.52G>A (p.Gly18Ser)

Gene: KCNJ2 (potassium inwardly rectifying channel subfamily J member 2; plus strand). Cytogenetic location: 17q24.3.
Variant type: single nucleotide variant.
Coding change: c.52G>A on transcript NM_000891.3 (MANE Select); coding-DNA position 52, G replaced by A.
Protein change: p.Gly18Ser; replaces glycine 18 with serine.
Molecular consequence: missense variant.
Genome position (GRCh38, 1-based): chr17:70,175,091, G>A. VCF-style: chr17-70175091-G-A. GRCh37 (hg19) VCF-style: chr17-68171232-G-A.
Other names: short protein forms G18S.
Identifiers: ClinVar variation 536360 (VCV000536360.11), dbSNP rs947488726, ClinGen allele CA293702897.
Genomic context (GRCh38, chr17:70,175,091, plus strand): 5'-GCAGAAGCGATGGGCAGTGTGCGAACCAACCGCTACAGCATCGTCTCTTCAGAAGAAGAC[G>A]GTATGAAGTTGGCCACCATGGCAGTTGCAAATGGCTTTGGGAACGGGAAGAGTAAAGTCC-3'
Protein context (NP_000882.1, residues 8-28): RYSIVSSEED[Gly18Ser]MKLATMAVAN

ClinVar aggregate classification (germline): Uncertain significance. Review status: criteria provided, multiple submitters, no conflicts (2 of 4 stars). 4 submissions from 4 submitters: Uncertain significance (4). Last evaluated 2026-04-12.

Conditions:
Andersen Tawil syndrome (LQT7). Also called: ANDERSEN CARDIODYSRHYTHMIC PERIODIC PARALYSIS; Potassium-sensitive periodic paralysis, ventricular ectopy, and dysmorphic features; PERIODIC PARALYSIS, POTASSIUM-SENSITIVE CARDIODYSRHYTHMIC TYPE; Andersen Syndrome; LONG QT SYNDROME 7. Identifiers: Orphanet 37553, MedGen C1563715, MONDO:0008222, OMIM 170390.
Short QT syndrome type 3. Identifiers: Orphanet 51083, MedGen C1865018, MONDO:0012314, OMIM 609622.
Cardiovascular phenotype. Identifiers: MedGen CN230736.

Allele frequency attached by ClinVar (database versions not stated): gnomAD exomes below 0.00001 and 0.00001; gnomAD 0.00001; TOPMed 0.00003.
gnomAD v4.1: 17 of 1,614,068 alleles (0.0011%); highest among the groups gnomAD compares: Non-Finnish European, 0.0014%; no homozygotes.

Submissions (4):

Ambry Genetics
Classification: Uncertain significance for Cardiovascular phenotype. Last evaluated: 2026-04-12. Review status: criteria provided, single submitter. Criteria: Ambry Variant Classification Scheme 2023. Collection method: clinical testing. Allele origin: germline.
Comment: The p.G18S variant (also known as c.52G>A), located in coding exon 1 of the KCNJ2 gene, results from a G to A substitution at nucleotide position 52. The glycine at codon 18 is replaced by serine, an amino acid with similar properties. This amino acid position is conserved. In addition, the in silico prediction for this alteration is inconclusive. Based on the available evidence, the clinical significance of this variant remains unclear.

Labcorp Genetics (formerly Invitae), Labcorp
Classification: Uncertain significance for Short QT syndrome type 3; Andersen Tawil syndrome. Last evaluated: 2025-10-31. Review status: criteria provided, single submitter. Criteria: Invitae Variant Classification Sherloc (09022015). Collection method: clinical testing. Allele origin: germline.
Comment: This sequence change replaces glycine, which is neutral and non-polar, with serine, which is neutral and polar, at codon 18 of the KCNJ2 protein (p.Gly18Ser). This variant is present in population databases (no rsID available, gnomAD 0.002%). This variant has not been reported in the literature in individuals affected with KCNJ2-related conditions. ClinVar contains an entry for this variant (Variation ID: 536360). Invitae Evidence Modeling of protein sequence and biophysical properties (such as structural, functional, and spatial information, amino acid conservation, physicochemical variation, residue mobility, and thermodynamic stability) indicates that this missense variant is not expected to disrupt KCNJ2 protein function with a negative predictive value of 95%. In summary, the available evidence is currently insufficient to determine the role of this variant in disease. Therefore, it has been classified as a Variant of Uncertain Significance.

Molecular Diagnostic Laboratory for Inherited Cardiovascular Disease, Montreal Heart Institute
Classification: Uncertain significance for Cardiovascular phenotype. Last evaluated: 2025-07-24. Review status: criteria provided, single submitter. Criteria: ACMG Guidelines, 2015. Collection method: clinical testing. Allele origin: germline. Affected: yes.
Comment: PP2, BS1

Blueprint Genetics
Classification: Uncertain significance. Last evaluated: 2024-03-19. Review status: criteria provided, single submitter. Criteria: ACMG Guidelines, 2015. Collection method: clinical testing. Allele origin: germline.